The following is an entry in ClinVar:

NM_016464.5(TMEM138):c.430_439del (p.Pro144fs)

Gene: TMEM138 (transmembrane protein 138; plus strand). Cytogenetic location: 11q12.2.
Variant type: Deletion.
Coding change: c.430_439del on transcript NM_016464.5 (MANE Select); coding-DNA positions 430 to 439, 10 bases deleted (CCTCACTTCT; older notation c.430_439delCCTCACTTCT).
Protein change: p.Pro144fs; shifts the reading frame from proline 144.
Molecular consequence: frameshift variant. On other transcripts: non-coding transcript variant (1).
Genome position (GRCh38, 1-based): chr11:61,368,650-61,368,659, CCTCACTTCT deleted; deleting any 10 consecutive bases within chr11:61,368,649-61,368,659 gives the same sequence; the c. name uses the placement nearest the transcript's 3' end. VCF-style (leftmost placement, unchanged base first): chr11-61368648-ATCCTCACTTC-A. GRCh37 (hg19) VCF-style: chr11-61136120-ATCCTCACTTC-A.
Other names: c.256_265del, p.Pro86fs (NM_001330281.2); c.*494_*503delCCTCACTTCT (NM_001410999.1); short protein forms P144fs, P86fs.
Identifiers: ClinVar variation 1995866 (VCV001995866.4), dbSNP rs765344885, ClinGen allele CA6034656.

ClinVar aggregate classification (germline): Uncertain significance (1 of 4 stars; one submission).

Conditions:
Joubert syndrome 16 (JBTS16). Identifiers: Orphanet 2318, MedGen C3280906, MONDO:0013764, OMIM 614465.

Submission:

Labcorp Genetics (formerly Invitae), Labcorp
Classification: Uncertain significance for Joubert syndrome 16. Last evaluated: 2022-05-17. Review status: criteria provided, single submitter. Criteria: Invitae Variant Classification Sherloc (09022015). Collection method: clinical testing. Allele origin: germline.
Comment: In summary, the available evidence is currently insufficient to determine the role of this variant in disease. Therefore, it has been classified as a Variant of Uncertain Significance. Experimental studies and prediction algorithms are not available or were not evaluated, and the functional significance of this variant is currently unknown. This variant has not been reported in the literature in individuals affected with TMEM138-related conditions. This variant is present in population databases (rs765344885, gnomAD 0.0009%). This sequence change results in a frameshift in the TMEM138 gene (p.Pro144Thrfs*22). While this is not anticipated to result in nonsense mediated decay, it is expected to disrupt the last 19 amino acid(s) of the TMEM138 protein and extend the protein by 2 additional amino acid residues.